The following is an entry in ClinVar:

NM_017841.4(SDHAF2):c.378A>G (p.Lys126=)

Gene: SDHAF2 (succinate dehydrogenase complex assembly factor 2; plus strand). Cytogenetic location: 11q12.2.
Variant type: single nucleotide variant.
Coding change: c.378A>G on transcript NM_017841.4 (MANE Select); coding-DNA position 378, A replaced by G.
Protein change: p.Lys126=; no amino-acid change (lysine 126 retained).
Molecular consequence: synonymous variant.
Genome position (GRCh38, 1-based): chr11:61,445,948, A>G. VCF-style: chr11-61445948-A-G. GRCh37 (hg19) VCF-style: chr11-61213420-A-G.
Identifiers: ClinVar variation 2624885 (VCV002624885.6), dbSNP rs1400208457, ClinGen allele CA380685237.

ClinVar aggregate classification (germline): Benign/Likely benign. Review status: criteria provided, multiple submitters, no conflicts (2 of 4 stars). 3 submissions from 3 submitters: Benign (1); Likely benign (2). Last evaluated 2026-08-05.

Conditions:
Hereditary pheochromocytoma and paraganglioma. Also called: Hereditary pheochromocytoma-paraganglioma; Hereditary Paraganglioma-Pheochromocytoma Syndromes; Hereditary paragangliomas and pheochromocytomas. Identifiers: Orphanet 29072, MedGen C4274332, MONDO:0017366.
Hereditary cancer-predisposing syndrome. Also called: Hereditary Cancer Syndrome; Hereditary neoplastic syndrome; Neoplastic Syndromes, Hereditary; Tumor predisposition. Identifiers: Orphanet 140162, MedGen C0027672, MeSH D009386, MONDO:0015356.
Pheochromocytoma/paraganglioma syndrome 2. Also called: SDHAF2-Related Hereditary Paraganglioma-Pheochromocytoma Syndrome; GLOMUS TUMORS, FAMILIAL, 2; Paragangliomas 2; SDHAF2-Related Hereditary Paraganglioma-Pheochromocytoma Syndrome (Paragangliomas 2). Identifiers: Orphanet 29072, MedGen C1866552, MONDO:0011121, OMIM 601650.

Allele frequency attached by ClinVar (database versions not stated): gnomAD 0.00001.
gnomAD v4.1: 1 of 1,614,026 alleles (0.000062%); highest among the groups gnomAD compares: African/African-American, 0.0013%; no homozygotes.

Submissions (3):

Myriad Genetics, Inc.
Classification: Benign for Pheochromocytoma/paraganglioma syndrome 2. Last evaluated: 2026-08-05. Review status: criteria provided, single submitter. Criteria: Myriad Autosomal Dominant, Autosomal Recessive and X-Linked Classification Criteria (2023). Collection method: clinical testing. Allele origin: unknown.
Comment: This variant is considered benign. This variant is a silent/synonymous amino acid change and it is not expected to impact splicing.

Labcorp Genetics (formerly Invitae), Labcorp
Classification: Likely benign for Hereditary pheochromocytoma and paraganglioma. Last evaluated: 2025-11-19. Review status: criteria provided, single submitter. Criteria: Invitae Variant Classification Sherloc (09022015). Collection method: clinical testing. Allele origin: germline.

Ambry Genetics
Classification: Likely benign for Hereditary cancer-predisposing syndrome. Last evaluated: 2023-07-03. Review status: criteria provided, single submitter. Criteria: Ambry Variant Classification Scheme 2023. Collection method: clinical testing. Allele origin: germline.